The following is an entry in ClinVar:

ClinVar aggregate classification (germline): Uncertain significance. Review status: criteria provided, multiple submitters, no conflicts (2 of 4 stars). 3 submissions from 3 submitters: Uncertain significance (3). Last evaluated 2026-01-18.

Conditions:
Hereditary cancer-predisposing syndrome. Also called: Tumor predisposition; Neoplastic Syndromes, Hereditary; Hereditary Cancer Syndrome; Hereditary neoplastic syndrome. Identifiers: Orphanet 140162, MedGen C0027672, MeSH D009386, MONDO:0015356.
Ataxia-telangiectasia syndrome (AT). Also called: Ataxia-telangiectasia; LOUIS-BAR SYNDROME; Ataxia-telangiectasia, complementation group D; AT, COMPLEMENTATION GROUP C; ATAXIA-TELANGIECTASIA, COMPLEMENTATION GROUP A; ATAXIA-TELANGIECTASIA, FRESNO VARIANT. Identifiers: Orphanet 100, MedGen C0004135, MONDO:0008840, OMIM 208900.

Allele frequency attached by ClinVar (database versions not stated): gnomAD exomes below 0.00001.
gnomAD v4.1: 1 of 1,614,218 alleles (0.000062%); no homozygotes.

Submissions (3):

Labcorp Genetics (formerly Invitae), Labcorp
Classification: Uncertain significance for Ataxia-telangiectasia syndrome. Last evaluated: 2026-01-18. Review status: criteria provided, single submitter. Criteria: Invitae Variant Classification Sherloc (09022015). Collection method: clinical testing. Allele origin: germline.
Comment: This sequence change replaces asparagine, which is neutral and polar, with aspartic acid, which is acidic and polar, at codon 3003 of the ATM protein (p.Asn3003Asp). This variant is not present in population databases (gnomAD no frequency). This missense change has been observed in individual(s) with clinical features of ataxia-telangiectasia (PMID: 27664052). ClinVar contains an entry for this variant (Variation ID: 1327786). Invitae Evidence Modeling of protein sequence and biophysical properties (such as structural, functional, and spatial information, amino acid conservation, physicochemical variation, residue mobility, and thermodynamic stability) indicates that this missense variant is not expected to disrupt ATM protein function with a negative predictive value of 95%. In summary, the available evidence is currently insufficient to determine the role of this variant in disease. Therefore, it has been classified as a Variant of Uncertain Significance.

Ambry Genetics
Classification: Uncertain significance for Hereditary cancer-predisposing syndrome. Last evaluated: 2024-05-31. Review status: criteria provided, single submitter. Criteria: Ambry Variant Classification Scheme 2023. Collection method: clinical testing. Allele origin: germline.
Comment: The p.N3003D variant (also known as c.9007A>G), located in coding exon 62 of the ATM gene, results from an A to G substitution at nucleotide position 9007. The asparagine at codon 3003 is replaced by aspartic acid, an amino acid with highly similar properties. This variant co-occurred with an ATM c.9007_9034del variant in a patient with a clinical diagnosis of ataxia-telangiectasia (Carranza D et al. Neuromolecular Med, 2017 Mar;19:161-174). This amino acid position is highly conserved in available vertebrate species. In addition, this alteration is predicted to be tolerated by in silico analysis. Based on the available evidence, the clinical significance of this variant remains unclear.

GeneDx
Classification: Uncertain significance. Last evaluated: 2021-06-07. Review status: criteria provided, single submitter. Criteria: GeneDx Variant Classification Process June 2021. Collection method: clinical testing. Allele origin: germline. Affected: yes.
Comment: Not observed at significant frequency in large population cohorts (Lek 2016); In silico analysis supports that this missense variant has a deleterious effect on protein structure/function; Identified in the compound heterozygous state with a frameshift variant in a patient with Ataxia-telangiectasia in the published literature (Carranza 2017); This variant is associated with the following publications: (PMID: 23532176, 22529920, 27664052)

Literature cited by the submitters: PubMed 27664052 (cited by Labcorp Genetics (formerly Invitae), Labcorp and Ambry Genetics).

NM_000051.4(ATM):c.9007A>G (p.Asn3003Asp)

Genes: ATM (ATM serine/threonine kinase; plus strand), C11orf65 (chromosome 11 open reading frame 65; minus strand). Cytogenetic location: 11q22.3.
Variant type: single nucleotide variant.
Coding change: c.9007A>G on transcript NM_000051.4 (MANE Select); coding-DNA position 9007, A replaced by G.
Protein change: p.Asn3003Asp; replaces asparagine 3003 with aspartic acid.
Molecular consequence: missense variant. On other transcripts: intron variant (2).
Genome position (GRCh38, 1-based): chr11:108,365,344, A>G. VCF-style: chr11-108365344-A-G. GRCh37 (hg19) VCF-style: chr11-108236071-A-G.
Other names: c.9007A>G, p.Asn3003Asp (NM_001351834.2); c.640+20576T>C (NM_001330368.2); c.694+20576T>C (NM_001351110.2); short protein forms N3003D.
Identifiers: ClinVar variation 1327786 (VCV001327786.9), dbSNP rs1137889, ClinGen allele CA16021310.